The following is an entry in ClinVar:

ClinVar aggregate classification (germline): Likely pathogenic (0 of 4 stars; one submission).

Conditions:
Alport syndrome 3b, autosomal recessive. Identifiers: MedGen C5882699, MONDO:0957811, OMIM 620536.

Submission:

Medical Genetics Department, Charles Nicolle Hospital Tunis
Classification: Likely pathogenic for Alport syndrome 3b, autosomal recessive. Last evaluated: 2022-09-05. Review status: no assertion criteria provided. Collection method: clinical testing. Allele origin: inherited. Inheritance: Autosomal recessive inheritance. Affected: yes. Observed: 1 homozygote.
Comment: All parents of these patients were consanguineous and were confirmed to be heterozygous carriers. The novel frameshift mutation NM_000091: c.2510delC p.(Pro837fs) segregated according to a recessive model with full penetrance. It was not referenced in the NHLBI Exome Variant Server or in the ClinVar database and it was absent in 50 healthy controls subjects.

Literature cited by the submitters: DOI 10.3389/fmed.2022.865034.

NM_000091.5(COL4A3):c.2510del (p.Pro837fs)

Genes: COL4A3 (collagen type IV alpha 3 chain; plus strand), MFF-DT (MFF divergent transcript; minus strand). Cytogenetic location: 2q36.3.
Variant type: Deletion.
Coding change: c.2510del on transcript NM_000091.5 (MANE Select); coding-DNA position 2510, one base deleted (C; older notation c.2510delC).
Protein change: p.Pro837fs; shifts the reading frame from proline 837.
Molecular consequence: frameshift variant.
Genome position (GRCh38, 1-based): chr2:227,282,386, C deleted; the last of 2 consecutive C bases (chr2:227,282,385-227,282,386); deleting either gives the same sequence. VCF-style (leftmost placement, unchanged base first): chr2-227282384-GC-G. GRCh37 (hg19) VCF-style: chr2-228147100-GC-G.
Other names: c.2510delC (NM_000091.5); short protein forms P837fs.
Identifiers: ClinVar variation 2627799 (VCV002627799.1), dbSNP rs2469769276, ClinGen allele CA2586963918.